The following is an entry in ClinVar:

ClinVar aggregate classification (germline): Conflicting classifications of pathogenicity. Review status: criteria provided, conflicting classifications (1 of 4 stars). 6 submissions from 6 submitters: Pathogenic (4); Likely pathogenic (1); Uncertain significance (1). Last evaluated 2025-09-05.

Conditions:
Occipital pachygyria and polymicrogyria. Identifiers: Orphanet 280640, MedGen C3279875, MONDO:0013583, OMIM 614115.
LAMC3-related disorder. Also called: LAMC3-related condition.

Allele frequency attached by ClinVar (database versions not stated): gnomAD 0.00003; TOPMed 0.00004.
gnomAD v4.1: 51 of 1,612,544 alleles (0.0032%); highest among the groups gnomAD compares: Non-Finnish European, 0.0041%; no homozygotes.

Submissions (6):

Labcorp Genetics (formerly Invitae), Labcorp
Classification: Pathogenic. Last evaluated: 2025-09-05. Review status: criteria provided, single submitter. Criteria: Invitae Variant Classification Sherloc (09022015). Collection method: clinical testing. Allele origin: germline.
Comment: This sequence change affects a donor splice site in intron 4 of the LAMC3 gene. It is expected to disrupt RNA splicing. Variants that disrupt the donor or acceptor splice site typically lead to a loss of protein function (PMID: 16199547), and loss-of-function variants in LAMC3 are known to be pathogenic (PMID: 21572413, 26802095). This variant is present in population databases (rs201519274, gnomAD 0.009%). Disruption of this splice site has been observed in individual(s) with autism spectrum disorder, clinical features of cortical malformation, and/or LAMC3-related conditions (PMID: 23160955, 32902107, 35620139). In at least one individual the data is consistent with being in trans (on the opposite chromosome) from a pathogenic variant. ClinVar contains an entry for this variant (Variation ID: 810444). Algorithms developed to predict the effect of sequence changes on RNA splicing suggest that this variant may disrupt the consensus splice site. For these reasons, this variant has been classified as Pathogenic.

First Genomix Gene Laboratory, Genetic Diagnostics Department
Classification: Pathogenic for Occipital pachygyria and polymicrogyria. Last evaluated: 2025-08-04. Review status: criteria provided, single submitter. Criteria: ACMG Guidelines, 2015. Collection method: clinical testing. Allele origin: germline. Inheritance: Autosomal recessive inheritance. Affected: no. Observed: 1 variant allele.

GeneDx
Classification: Pathogenic. Last evaluated: 2024-12-24. Review status: criteria provided, single submitter. Criteria: GeneDx Variant Classification Process June 2021. Collection method: clinical testing. Allele origin: germline. Affected: yes.
Comment: Reported previously in the heterozygous state as a paternally inherited variant in an individual with autism (PMID: 23160955); Not observed at significant frequency in large population cohorts (gnomAD); Canonical splice site variant predicted to result in a null allele in a gene for which loss of function is a known mechanism of disease; This variant is associated with the following publications: (PMID: 31980526, 32902107, 23160955)

Blueprint Genetics
Classification: Likely pathogenic for LAMC3-related disorders. Last evaluated: 2023-03-30. Review status: criteria provided, single submitter. Criteria: ACMG Guidelines, 2015. Collection method: clinical testing. Allele origin: germline. Affected: yes. Observed: 3 variant alleles.

Institute of Human Genetics, University of Leipzig Medical Center
Classification: Pathogenic for Occipital pachygyria and polymicrogyria. Last evaluated: 2019-11-25. Review status: criteria provided, single submitter. Criteria: ACMG Guidelines, 2015. Collection method: clinical testing. Allele origin: germline. Affected: yes. Observed: 1 variant allele.

CeGaT Center for Human Genetics Tuebingen
Classification: Uncertain significance. Last evaluated: 2017-11-01. Review status: criteria provided, single submitter. Criteria: CeGaT Center For Human Genetics Tuebingen Variant Classification Criteria Version 2. Collection method: clinical testing. Allele origin: germline. Affected: yes. Observed: 1 variant allele.

Literature cited by the submitters: PubMed 16199547 (cited by Labcorp Genetics (formerly Invitae), Labcorp); PubMed 21572413 (cited by Labcorp Genetics (formerly Invitae), Labcorp); PubMed 26802095 (cited by Labcorp Genetics (formerly Invitae), Labcorp); PubMed 23160955 (cited by Labcorp Genetics (formerly Invitae), Labcorp); PubMed 32902107 (cited by Labcorp Genetics (formerly Invitae), Labcorp); PubMed 35620139 (cited by Labcorp Genetics (formerly Invitae), Labcorp).

NM_006059.4(LAMC3):c.976+1G>C

Gene: LAMC3 (laminin subunit gamma 3; plus strand). Cytogenetic location: 9q34.12.
Variant type: single nucleotide variant.
Coding change: c.976+1G>C on transcript NM_006059.4 (MANE Select); the canonical splice donor site of the intron after coding-DNA position 976, G replaced by C.
Molecular consequence: splice donor variant.
Genome position (GRCh38, 1-based): chr9:131,036,333, G>C. VCF-style: chr9-131036333-G-C. GRCh37 (hg19) VCF-style: chr9-133911720-G-C.
Identifiers: ClinVar variation 810444 (VCV000810444.55), dbSNP rs201519274, ClinGen allele CA5286881.